The following is an entry in ClinVar:

ClinVar aggregate classification (germline): Uncertain significance (1 of 4 stars; one submission).

Conditions:
Dextro-looped transposition of the great arteries. Also called: Dextrotransposition of the great arteries. Identifiers: Orphanet 860, MedGen C3531771, MONDO:0019443, OMIM 608808, HP:0031348.

Submission:

Labcorp Genetics (formerly Invitae), Labcorp
Classification: Uncertain significance for Dextro-looped transposition of the great arteries. Last evaluated: 2024-11-18. Review status: criteria provided, single submitter. Criteria: Invitae Variant Classification Sherloc (09022015). Collection method: clinical testing. Allele origin: germline.
Comment: This sequence change replaces histidine, which is basic and polar, with tyrosine, which is neutral and polar, at codon 1717 of the MED13L protein (p.His1717Tyr). This variant is not present in population databases (gnomAD no frequency). This variant has not been reported in the literature in individuals affected with MED13L-related conditions. Invitae Evidence Modeling of protein sequence and biophysical properties (such as structural, functional, and spatial information, amino acid conservation, physicochemical variation, residue mobility, and thermodynamic stability) indicates that this missense variant is not expected to disrupt MED13L protein function with a negative predictive value of 80%. Algorithms developed to predict the effect of sequence changes on RNA splicing suggest that this variant may disrupt the consensus splice site. In summary, the available evidence is currently insufficient to determine the role of this variant in disease. Therefore, it has been classified as a Variant of Uncertain Significance.

NM_015335.5(MED13L):c.5149C>T (p.His1717Tyr)

Gene: MED13L (mediator complex subunit 13L; minus strand). Cytogenetic location: 12q24.21.
Variant type: single nucleotide variant.
Coding change: c.5149C>T on transcript NM_015335.5 (MANE Select); coding-DNA position 5149, C replaced by T.
Protein change: p.His1717Tyr; replaces histidine 1717 with tyrosine.
Molecular consequence: missense variant.
Genome position (GRCh38, 1-based): chr12:115,982,410, G>A on the plus strand (C>T on the coding strand, the complement: MED13L is on the minus strand). VCF-style: chr12-115982410-G-A. GRCh37 (hg19) VCF-style: chr12-116420215-G-A.
Other names: short protein forms H1717Y.
Identifiers: ClinVar variation 3628412 (VCV003628412.2).
Genomic context (GRCh38, chr12:115,982,410, plus strand): 5'-ATCAAAAGTAAATAATAAACTTGCAAACAGTAACCTGGAGAATGAAAGAATTTCTCATAT[G>A]CTCAGGTAAATTATCCAGCATTTCTGTGTAGCAGCGCATCAAGCTCAACAGCCAAAAGTT-3'
Protein context (NP_056150.1, residues 1707-1727): YTEMLDNLPE[His1717Tyr]MRNSFILQIV